The following is an entry in ClinVar:

NM_000393.5(COL5A2):c.4081T>C (p.Trp1361Arg)

Gene: COL5A2 (collagen type V alpha 2 chain; minus strand). Cytogenetic location: 2q32.2.
Variant type: single nucleotide variant.
Coding change: c.4081T>C on transcript NM_000393.5 (MANE Select); coding-DNA position 4081, T replaced by C.
Protein change: p.Trp1361Arg; replaces tryptophan 1361 with arginine.
Molecular consequence: missense variant.
Genome position (GRCh38, 1-based): chr2:189,036,648, A>G on the plus strand (T>C on the coding strand, the complement: COL5A2 is on the minus strand). VCF-style: chr2-189036648-A-G. GRCh37 (hg19) VCF-style: chr2-189901374-A-G.
Other names: short protein forms W1361R.
Identifiers: ClinVar variation 1386953 (VCV001386953.8), dbSNP rs761506002, ClinGen allele CA62582745.

ClinVar aggregate classification (germline): Uncertain significance (1 of 4 stars; one submission).

Conditions:
Ehlers-Danlos syndrome, classic type, 1 (EDSCL1). Also called: EHLERS-DANLOS SYNDROME, GRAVIS TYPE; EHLERS-DANLOS SYNDROME, SEVERE CLASSIC TYPE; Ehlers-Danlos syndrome, type 1; Ehlers-Danlos Syndrome, Classic Type, COL5A1-Related; EDS I. Identifiers: MedGen C0268335, MONDO:0019567, OMIM 130000.

Allele frequency attached by ClinVar (database versions not stated): gnomAD exomes below 0.00001.
gnomAD v4.1: 7 of 1,613,770 alleles (0.00043%); highest among the groups gnomAD compares: Non-Finnish European, 0.00042%; no homozygotes.

Submission:

Labcorp Genetics (formerly Invitae), Labcorp
Classification: Uncertain significance for Ehlers-Danlos syndrome, classic type, 1. Last evaluated: 2022-07-05. Review status: criteria provided, single submitter. Criteria: Invitae Variant Classification Sherloc (09022015). Collection method: clinical testing. Allele origin: germline.
Comment: Algorithms developed to predict the effect of missense changes on protein structure and function are either unavailable or do not agree on the potential impact of this missense change (SIFT: "Deleterious"; PolyPhen-2: "Not Available"; Align-GVGD: "Class C0"). In summary, the available evidence is currently insufficient to determine the role of this variant in disease. Therefore, it has been classified as a Variant of Uncertain Significance. ClinVar contains an entry for this variant (Variation ID: 1386953). This variant has not been reported in the literature in individuals affected with COL5A2-related conditions. This variant is not present in population databases (gnomAD no frequency). This sequence change replaces tryptophan, which is neutral and slightly polar, with arginine, which is basic and polar, at codon 1361 of the COL5A2 protein (p.Trp1361Arg).